The following is an entry in ClinVar:

ClinVar aggregate classification (germline): Uncertain significance (1 of 4 stars; one submission).

Conditions:
Fanconi anemia (FA). Also called: Fanconi's anemia. Identifiers: Orphanet 84, MedGen C0015625, MeSH D005199, MONDO:0019391.

Allele frequency attached by ClinVar (database versions not stated): gnomAD exomes below 0.00001 and 0.00001.

Submission:

Labcorp Genetics (formerly Invitae), Labcorp
Classification: Uncertain significance for Fanconi anemia. Last evaluated: 2022-03-05. Review status: criteria provided, single submitter. Criteria: Invitae Variant Classification Sherloc (09022015). Collection method: clinical testing. Allele origin: germline.
Comment: This variant is present in population databases (no rsID available, gnomAD 0.006%). In summary, the available evidence is currently insufficient to determine the role of this variant in disease. Therefore, it has been classified as a Variant of Uncertain Significance. Experimental studies and prediction algorithms are not available or were not evaluated, and the functional significance of this variant is currently unknown. ClinVar contains an entry for this variant (Variation ID: 1020316). This variant has not been reported in the literature in individuals affected with SLX4-related conditions. This variant, c.3676_3678dup, results in the insertion of 1 amino acid(s) of the SLX4 protein (p.Arg1226dup), but otherwise preserves the integrity of the reading frame.

NM_032444.4(SLX4):c.3676_3678dup (p.Arg1226dup)

Gene: SLX4 (SLX4 structure-specific endonuclease subunit; minus strand). Cytogenetic location: 16p13.3.
Variant type: Duplication.
Coding change: c.3676_3678dup on transcript NM_032444.4 (MANE Select); coding-DNA positions 3676 to 3678, 3 bases duplicated (CGG; older notation c.3676_3678dupCGG).
Protein change: p.Arg1226dup; duplicates arginine 1226.
Molecular consequence: inframe insertion.
Genome position (GRCh38, 1-based): chr16:3,589,960-3,589,962, CCG duplicated on the plus strand (CGG on the coding strand, the reverse complement: SLX4 is on the minus strand). VCF-style (leftmost placement, unchanged base first): chr16-3589959-C-CCCG. GRCh37 (hg19) VCF-style: chr16-3639960-C-CCCG.
Identifiers: ClinVar variation 1020316 (VCV001020316.8), dbSNP rs1567169873, ClinGen allele CA620713995.